The following is an entry in ClinVar:

ClinVar aggregate classification (germline): Uncertain significance (1 of 4 stars; one submission).

Conditions:
Primary ciliary dyskinesia 7. Also called: CILIARY DYSKINESIA, PRIMARY, 7, WITH OR WITHOUT SITUS INVERSUS. Identifiers: Orphanet 244, MedGen C2678473, MONDO:0012748, OMIM 611884.

Submission:

Juno Genomics, Hangzhou Juno Genomics, Inc
Classification: Uncertain significance for Primary ciliary dyskinesia 7. Review status: criteria provided, single submitter. Criteria: ACMG Guidelines, 2015. Collection method: clinical testing. Allele origin: germline. Affected: yes.
Comment: Absent from controls (or at extremely low frequency if recessive) in Genome Aggregation Database, Exome Sequencing Project, 1000 Genomes Project, or Exome Aggregation Consortium.;Patient's phenotype or family history is highly specific for a disease with a single genetic etiology.;For recessive disorders, detected in trans with a pathogenic variant.

NM_001277115.2(DNAH11):c.1426-14_1426-10delinsG

Gene: DNAH11 (dynein axonemal heavy chain 11; plus strand). Cytogenetic location: 7p15.3.
Variant type: Indel.
Coding change: c.1426-14_1426-10delinsG on transcript NM_001277115.2 (MANE Select); 14 bases into the intron before coding-DNA position 1426 through 10 bases into the intron before coding-DNA position 1426, TGTTT replaced by G.
Molecular consequence: intron variant.
Genome position (GRCh38, 1-based): chr7:21,571,792-21,571,796, TGTTT replaced by G. VCF-style: chr7-21571792-TGTTT-G. GRCh37 (hg19) VCF-style: chr7-21611410-TGTTT-G.
Identifiers: ClinVar variation 4796570 (VCV004796570.1).
Genomic context (GRCh38, chr7:21,571,792, plus strand): 5'-GTTCTTGATTTGAAACTTTAAAATATTTTGCTGCTCAATGTAGTGGAAAGGTCTTTACTG[TGTTT>G]TTTACAAAGGATATATTTGCCACCACTTTGGAATTTGAAAAGCTGGAAAGACTGGAATTT-3'